The following is an entry in ClinVar:

NM_006231.4(POLE):c.2449G>A (p.Gly817Ser)

Gene: POLE (DNA polymerase epsilon, catalytic subunit; minus strand). Cytogenetic location: 12q24.33.
Variant type: single nucleotide variant.
Coding change: c.2449G>A on transcript NM_006231.4 (MANE Select); coding-DNA position 2449, G replaced by A.
Protein change: p.Gly817Ser; replaces glycine 817 with serine.
Molecular consequence: missense variant.
Genome position (GRCh38, 1-based): chr12:132,665,321, C>T on the plus strand (G>A on the coding strand, the complement: POLE is on the minus strand). VCF-style: chr12-132665321-C-T. GRCh37 (hg19) VCF-style: chr12-133241907-C-T.
Other names: short protein forms G817S.
Identifiers: ClinVar variation 4672088 (VCV004672088.1).

ClinVar aggregate classification (germline): Uncertain significance (1 of 4 stars; one submission).

Conditions:
Hereditary cancer-predisposing syndrome. Also called: Neoplastic Syndromes, Hereditary; Tumor predisposition; Hereditary Cancer Syndrome; Hereditary neoplastic syndrome. Identifiers: Orphanet 140162, MedGen C0027672, MeSH D009386, MONDO:0015356.

Submission:

Ambry Genetics
Classification: Uncertain significance for Hereditary cancer-predisposing syndrome. Last evaluated: 2025-10-26. Review status: criteria provided, single submitter. Criteria: Ambry Variant Classification Scheme 2023. Collection method: clinical testing. Allele origin: germline.
Comment: The p.G817S variant (also known as c.2449G>A), located in coding exon 21 of the POLE gene, results from a G to A substitution at nucleotide position 2449. The glycine at codon 817 is replaced by serine, an amino acid with similar properties. This amino acid position is conserved. In addition, this alteration is predicted to be deleterious by in silico analysis. Based on the available evidence, the clinical significance of this variant remains unclear.